The following is an entry in ClinVar:

NM_182746.3(MCM4):c.1280A>C (p.Lys427Thr)

Gene: MCM4 (minichromosome maintenance complex component 4; plus strand). Cytogenetic location: 8q11.21.
Variant type: single nucleotide variant.
Coding change: c.1280A>C on transcript NM_182746.3 (MANE Select); coding-DNA position 1280, A replaced by C.
Protein change: p.Lys427Thr; replaces lysine 427 with threonine.
Molecular consequence: missense variant.
Genome position (GRCh38, 1-based): chr8:47,969,903, A>C. VCF-style: chr8-47969903-A-C. GRCh37 (hg19) VCF-style: chr8-48882463-A-C.
Other names: c.1280A>C, p.Lys427Thr (NM_005914.4); short protein forms K427T.
Identifiers: ClinVar variation 2013846 (VCV002013846.4), dbSNP rs2551884439, ClinGen allele CA371151332.
Genomic context (GRCh38, chr8:47,969,903, plus strand): 5'-ATGTGAAGTCTGTCTACAAAACCCACATTGATGTCATTCATTATCGGAAAACGGATGCAA[A>C]ACGTCTGCATGGCCTTGATGAAGAAGCAGAACAGAAACTTTTTTCAGAGAAACGTGTGGA-3'
Protein context (NP_877423.1, residues 417-437): DVIHYRKTDA[Lys427Thr]RLHGLDEEAE

ClinVar aggregate classification (germline): Uncertain significance (1 of 4 stars; one submission).

Submission:

Labcorp Genetics (formerly Invitae), Labcorp
Classification: Uncertain significance. Last evaluated: 2024-10-22. Review status: criteria provided, single submitter. Criteria: Invitae Variant Classification Sherloc (09022015). Collection method: clinical testing. Allele origin: germline.
Comment: This sequence change replaces lysine, which is basic and polar, with threonine, which is neutral and polar, at codon 427 of the MCM4 protein (p.Lys427Thr). This variant is not present in population databases (gnomAD no frequency). This variant has not been reported in the literature in individuals affected with MCM4-related conditions. ClinVar contains an entry for this variant (Variation ID: 2013846). Invitae Evidence Modeling of protein sequence and biophysical properties (such as structural, functional, and spatial information, amino acid conservation, physicochemical variation, residue mobility, and thermodynamic stability) indicates that this missense variant is not expected to disrupt MCM4 protein function with a negative predictive value of 80%. In summary, the available evidence is currently insufficient to determine the role of this variant in disease. Therefore, it has been classified as a Variant of Uncertain Significance.